The following is an entry in ClinVar:

NM_000484.4(APP):c.225+7C>A

Gene: APP (amyloid beta precursor protein; minus strand). Cytogenetic location: 21q21.3.
Variant type: single nucleotide variant.
Coding change: c.225+7C>A on transcript NM_000484.4 (MANE Select); 7 bases into the intron after coding-DNA position 225, C replaced by A.
Molecular consequence: intron variant.
Genome position (GRCh38, 1-based): chr21:26,111,972, G>T on the plus strand (C>A on the coding strand, the complement: APP is on the minus strand). VCF-style: chr21-26111972-G-T. GRCh37 (hg19) VCF-style: chr21-27484289-G-T.
Other names: c.120+7C>A (NM_001136131.3); c.58-21900C>A (NM_001136129.3, NM_001136130.3); c.225+7C>A (NM_001204303.2, NM_201414.3, NM_001385253.1 and 3 more transcripts); c.210+7C>A (NM_001136016.3).
Identifiers: ClinVar variation 705875 (VCV000705875.13), dbSNP rs201865168, ClinGen allele CA9987735.

ClinVar aggregate classification (germline): Benign/Likely benign. Review status: criteria provided, multiple submitters, no conflicts (2 of 4 stars). 3 submissions from 3 submitters: Benign (1); Likely benign (1). 1 of the submissions does not count toward it. Last evaluated 2025-10-14.

Conditions:
APP-related disorder. Also called: APP-related condition.
Alzheimer disease. Also called: Presenile and senile dementia; Alzheimer's disease. Identifiers: Orphanet 1020, MedGen C0002395, MeSH D000544, MONDO:0004975, HP:0002511.

Allele frequency attached by ClinVar (database versions not stated): gnomAD 0.00009 and 0.00010; TOPMed 0.00010; 1000 Genomes Project 30x 0.00016; gnomAD exomes 0.00019; 1000 Genomes Project 0.00020; ExAC 0.00021.

Submissions (3):

Women's Health and Genetics/Laboratory Corporation of America, LabCorp
Classification: Likely benign. Last evaluated: 2025-10-14. Review status: criteria provided, single submitter. Criteria: LabCorp Variant Classification Summary - May 2015. Collection method: clinical testing. Allele origin: germline.

Labcorp Genetics (formerly Invitae), Labcorp
Classification: Benign for Alzheimer disease. Last evaluated: 2025-04-11. Review status: criteria provided, single submitter. Criteria: Invitae Variant Classification Sherloc (09022015). Collection method: clinical testing. Allele origin: germline.

PreventionGenetics, part of Exact Sciences
Classification: Likely benign for APP-related condition. Last evaluated: 2019-02-28. Review status: no assertion criteria provided. Collection method: clinical testing. Allele origin: germline. Not counted in ClinVar's aggregate classification.
Comment: This variant is classified as likely benign based on ACMG/AMP sequence variant interpretation guidelines (Richards et al. 2015 PMID: 25741868, with internal and published modifications).